The following is an entry in ClinVar:

NM_003906.5(MCM3AP):c.4500T>G (p.Val1500=)

Genes: MCM3AP (minichromosome maintenance complex component 3 associated protein; minus strand), MCM3AP-AS1 (MCM3AP antisense RNA 1; plus strand). Cytogenetic location: 21q22.3.
Variant type: single nucleotide variant.
Coding change: c.4500T>G on transcript NM_003906.5 (MANE Select); coding-DNA position 4500, T replaced by G.
Protein change: p.Val1500=; no amino-acid change (valine 1500 retained).
Molecular consequence: synonymous variant.
Genome position (GRCh38, 1-based): chr21:46,246,677, A>C on the plus strand (T>G on the coding strand, the complement: MCM3AP is on the minus strand). VCF-style: chr21-46246677-A-C. GRCh37 (hg19) VCF-style: chr21-47666591-A-C.
Other names: c.4500T>G (NM_003906.4).
Identifiers: ClinVar variation 2082605 (VCV002082605.6), dbSNP rs761064595, ClinGen allele CA10076114.

ClinVar aggregate classification (germline): Likely benign. Review status: criteria provided, single submitter (1 of 4 stars). 2 submissions from 2 submitters: Likely benign (1). 1 of the submissions does not count toward it. Last evaluated 2025-10-28.

Conditions:
MCM3AP-related disorder. Also called: MCM3AP-related condition.

Allele frequency attached by ClinVar (database versions not stated): gnomAD exomes below 0.00001; ExAC 0.00002; gnomAD 0.00007; TOPMed 0.00012.
gnomAD v4.1: 20 of 1,614,176 alleles (0.0012%); highest among the groups gnomAD compares: African/African-American, 0.016%; 1 homozygote.

Submissions (2):

Labcorp Genetics (formerly Invitae), Labcorp
Classification: Likely benign. Last evaluated: 2025-10-28. Review status: criteria provided, single submitter. Criteria: Invitae Variant Classification Sherloc (09022015). Collection method: clinical testing. Allele origin: germline.

PreventionGenetics, part of Exact Sciences
Classification: Likely benign for MCM3AP-related condition. Last evaluated: 2019-05-21. Review status: no assertion criteria provided. Collection method: clinical testing. Allele origin: germline. Not counted in ClinVar's aggregate classification.
Comment: This variant is classified as likely benign based on ACMG/AMP sequence variant interpretation guidelines (Richards et al. 2015 PMID: 25741868, with internal and published modifications).